The following is an entry in ClinVar:

ClinVar aggregate classification (germline): Uncertain significance (1 of 4 stars; one submission).

Allele frequency attached by ClinVar (database versions not stated): gnomAD exomes below 0.00001; gnomAD 0.00001; ExAC 0.00008.
gnomAD v4.1: 3 of 1,583,566 alleles (0.00019%); highest among the groups gnomAD compares: Non-Finnish European, 0.00026%; no homozygotes.

Submission:

Labcorp Genetics (formerly Invitae), Labcorp
Classification: Uncertain significance. Last evaluated: 2022-07-19. Review status: criteria provided, single submitter. Criteria: Invitae Variant Classification Sherloc (09022015). Collection method: clinical testing. Allele origin: germline.
Comment: In summary, the available evidence is currently insufficient to determine the role of this variant in disease. Therefore, it has been classified as a Variant of Uncertain Significance. Variants that disrupt the consensus splice site are a relatively common cause of aberrant splicing (PMID: 17576681, 9536098). Algorithms developed to predict the effect of sequence changes on RNA splicing suggest that this variant is not likely to affect RNA splicing. This variant has not been reported in the literature in individuals affected with CLCN7-related conditions. The frequency data for this variant in the population databases is considered unreliable, as metrics indicate poor data quality at this position in the gnomAD database. This sequence change falls in intron 18 of the CLCN7 gene. It does not directly change the encoded amino acid sequence of the CLCN7 protein. It affects a nucleotide within the consensus splice site.

Literature cited by the submitters: PubMed 17576681; PubMed 9536098.

NM_001287.6(CLCN7):c.1669+4T>C

Gene: CLCN7 (chloride voltage-gated channel 7; minus strand). Cytogenetic location: 16p13.3.
Variant type: single nucleotide variant.
Coding change: c.1669+4T>C on transcript NM_001287.6 (MANE Select); 4 bases into the intron after coding-DNA position 1669, T replaced by C.
Molecular consequence: intron variant.
Genome position (GRCh38, 1-based): chr16:1,449,272, A>G on the plus strand (T>C on the coding strand, the complement: CLCN7 is on the minus strand). VCF-style: chr16-1449272-A-G. GRCh37 (hg19) VCF-style: chr16-1499273-A-G.
Other names: c.1597+4T>C (NM_001114331.3).
Identifiers: ClinVar variation 2018162 (VCV002018162.4), dbSNP rs777558617, ClinGen allele CA7810133.